The following is an entry in ClinVar:

NM_001171613.2(PREPL):c.1294G>A (p.Ala432Thr)

Gene: PREPL (prolyl endopeptidase like; minus strand). Cytogenetic location: 2p21.
Variant type: single nucleotide variant.
Coding change: c.1294G>A on transcript NM_001171613.2 (MANE Select); coding-DNA position 1294, G replaced by A.
Protein change: p.Ala432Thr; replaces alanine 432 with threonine.
Molecular consequence: missense variant.
Genome position (GRCh38, 1-based): chr2:44,326,897, C>T on the plus strand (G>A on the coding strand, the complement: PREPL is on the minus strand). VCF-style: chr2-44326897-C-T. GRCh37 (hg19) VCF-style: chr2-44554036-C-T.
Other names: c.1375G>A, p.Ala459Thr (NM_001042385.2); c.1363G>A, p.Ala455Thr (NM_001042386.2); c.1561G>A, p.Ala521Thr (NM_001171603.1, NM_001171606.2, NM_001374275.1 and 2 more transcripts); c.1294G>A, p.Ala432Thr (NM_001171617.1, NM_001374277.1); short protein forms A521T, A455T, A432T, A459T.
Identifiers: ClinVar variation 1369441 (VCV001369441.6), dbSNP rs373786632, ClinGen allele CA1641149.
Genomic context (GRCh38, chr2:44,326,897, plus strand): 5'-TCTTAATGCAAGCCTCTAAATCAGCAAGGCCATTGAGTTTTTTAGTTAGGCGGCCATCAG[C>T]GTGCCACTGGAGGCCTAACTCACCACCACCTCTGAAATTGAAGGGCAAAAAAGTTTTAGT-3'
Protein context (NP_001165084.1, residues 422-442): GGGELGLQWH[Ala432Thr]DGRLTKKLNG

ClinVar aggregate classification (germline): Uncertain significance. Review status: criteria provided, multiple submitters, no conflicts (2 of 4 stars). 2 submissions from 2 submitters: Uncertain significance (2). Last evaluated 2025-05-16.

Conditions:
Inborn genetic diseases. Identifiers: MedGen C0950123, MeSH D030342.
Myasthenic syndrome, congenital, 22 (CMS22). Also called: PREPL DEFICIENCY. Identifiers: MedGen C4479088, MONDO:0044299, OMIM 616224.

Allele frequency attached by ClinVar (database versions not stated): TOPMed 0.00005; 1000 Genomes Project 30x 0.00016; 1000 Genomes Project 0.00020; ExAC 0.00002; gnomAD 0.00003; gnomAD exomes 0.00004 and 0.00002; ESP Exome Variant Server 0.00008.
gnomAD v4.1: 36 of 1,614,048 alleles (0.0022%); highest among the groups gnomAD compares: African/African-American, 0.012%; no homozygotes.

Submissions (2):

Ambry Genetics
Classification: Uncertain significance for Inborn genetic diseases. Last evaluated: 2025-05-16. Review status: criteria provided, single submitter. Criteria: Ambry Variant Classification Scheme 2023. Collection method: clinical testing. Allele origin: germline.

Labcorp Genetics (formerly Invitae), Labcorp
Classification: Uncertain significance for Myasthenic syndrome, congenital, 22. Last evaluated: 2022-04-23. Review status: criteria provided, single submitter. Criteria: Invitae Variant Classification Sherloc (09022015). Collection method: clinical testing. Allele origin: germline.
Comment: This sequence change replaces alanine, which is neutral and non-polar, with threonine, which is neutral and polar, at codon 521 of the PREPL protein (p.Ala521Thr). This variant is present in population databases (rs373786632, gnomAD 0.02%). This variant has not been reported in the literature in individuals affected with PREPL-related conditions. Algorithms developed to predict the effect of missense changes on protein structure and function output the following: SIFT: "Tolerated"; PolyPhen-2: "Benign"; Align-GVGD: "Class C0". The threonine amino acid residue is found in multiple mammalian species, which suggests that this missense change does not adversely affect protein function. In summary, the available evidence is currently insufficient to determine the role of this variant in disease. Therefore, it has been classified as a Variant of Uncertain Significance.